The following is an entry in ClinVar:

ClinVar aggregate classification (germline): Uncertain significance. Review status: criteria provided, multiple submitters, no conflicts (2 of 4 stars). 4 submissions from 4 submitters: Uncertain significance (4). Last evaluated 2024-11-11.

Conditions:
Hereditary nonpolyposis colorectal neoplasms. Identifiers: MedGen C0009405, MeSH D003123.
Hereditary cancer-predisposing syndrome. Also called: Hereditary Cancer Syndrome; Neoplastic Syndromes, Hereditary; Hereditary neoplastic syndrome; Tumor predisposition. Identifiers: Orphanet 140162, MedGen C0027672, MeSH D009386, MONDO:0015356.
Lynch syndrome 5 (LYNCH5). Also called: Hereditary non-polyposis colorectal cancer, type 5; Colorectal cancer, hereditary nonpolyposis, type 5. Identifiers: Orphanet 144, MedGen C1833477, MONDO:0013710, OMIM 614350. Disease mechanism: loss of function.

Allele frequency attached by ClinVar (database versions not stated): gnomAD exomes below 0.00001.

Submissions (4):

Molecular Pathology, Peter Maccallum Cancer Centre
Classification: Uncertain significance for Lynch syndrome 5. Last evaluated: 2024-11-11. Review status: criteria provided, single submitter. Criteria: ACMG Guidelines, 2015. Collection method: clinical testing. Allele origin: germline. Inheritance: Autosomal dominant inheritance.

Color Diagnostics, LLC DBA Color Health
Classification: Uncertain significance for Hereditary cancer-predisposing syndrome. Last evaluated: 2023-12-05. Review status: criteria provided, single submitter. Criteria: ACMG Guidelines, 2015. Collection method: clinical testing. Allele origin: germline.
Comment: This missense variant replaces cysteine with tyrosine at codon 406 of the MSH6 protein. Computational prediction is inconclusive regarding the impact of this variant on protein structure and function (internally defined REVEL score threshold 0.5 < inconclusive < 0.7, PMID: 27666373). To our knowledge, functional studies have not been reported for this variant. This variant has not been reported in individuals affected with MSH6-related disorders in the literature. This variant has not been identified in the general population by the Genome Aggregation Database (gnomAD). The available evidence is insufficient to determine the role of this variant in disease conclusively. Therefore, this variant is classified as a Variant of Uncertain Significance.

Labcorp Genetics (formerly Invitae), Labcorp
Classification: Uncertain significance for Hereditary nonpolyposis colorectal neoplasms. Last evaluated: 2023-07-19. Review status: criteria provided, single submitter. Criteria: Invitae Variant Classification Sherloc (09022015). Collection method: clinical testing. Allele origin: germline.
Comment: In summary, the available evidence is currently insufficient to determine the role of this variant in disease. Therefore, it has been classified as a Variant of Uncertain Significance. This sequence change replaces cysteine, which is neutral and slightly polar, with tyrosine, which is neutral and polar, at codon 406 of the MSH6 protein (p.Cys406Tyr). This variant is not present in population databases (gnomAD no frequency). This variant has not been reported in the literature in individuals affected with MSH6-related conditions. ClinVar contains an entry for this variant (Variation ID: 428428). Advanced modeling of protein sequence and biophysical properties (such as structural, functional, and spatial information, amino acid conservation, physicochemical variation, residue mobility, and thermodynamic stability) performed at Invitae indicates that this missense variant is not expected to disrupt MSH6 protein function.

Ambry Genetics
Classification: Uncertain significance for Hereditary cancer-predisposing syndrome. Last evaluated: 2022-06-17. Review status: criteria provided, single submitter. Criteria: Ambry Variant Classification Scheme 2023. Collection method: clinical testing. Allele origin: germline.
Comment: The p.C406Y variant (also known as c.1217G>A), located in coding exon 4 of the MSH6 gene, results from a G to A substitution at nucleotide position 1217. The cysteine at codon 406 is replaced by tyrosine, an amino acid with highly dissimilar properties. This amino acid position is well conserved in available vertebrate species. In addition, the in silico prediction for this alteration is inconclusive. Since supporting evidence is limited at this time, the clinical significance of this alteration remains unclear.

NM_000179.3(MSH6):c.1217G>A (p.Cys406Tyr)

Gene: MSH6 (mutS homolog 6; plus strand). Cytogenetic location: 2p16.3.
Variant type: single nucleotide variant.
Coding change: c.1217G>A on transcript NM_000179.3 (MANE Select); coding-DNA position 1217, G replaced by A.
Protein change: p.Cys406Tyr; replaces cysteine 406 with tyrosine.
Molecular consequence: missense variant.
Genome position (GRCh38, 1-based): chr2:47,799,200, G>A. VCF-style: chr2-47799200-G-A. GRCh37 (hg19) VCF-style: chr2-48026339-G-A.
Other names: c.827G>A, p.Cys276Tyr (NM_001281492.2); c.311G>A, p.Cys104Tyr (NM_001281493.2, NM_001281494.2); short protein forms C406Y, C104Y, C276Y.
Identifiers: ClinVar variation 428428 (VCV000428428.20), dbSNP rs1114167789, ClinGen allele CA346743538.